The following is an entry in ClinVar:

NM_000238.4(KCNH2):c.2764C>T (p.Arg922Trp)

Gene: KCNH2 (potassium voltage-gated channel subfamily H member 2; minus strand). Cytogenetic location: 7q36.1.
Variant type: single nucleotide variant.
Coding change: c.2764C>T on transcript NM_000238.4 (MANE Select); coding-DNA position 2764, C replaced by T.
Protein change: p.Arg922Trp; replaces arginine 922 with tryptophan.
Molecular consequence: missense variant.
Genome position (GRCh38, 1-based): chr7:150,947,807, G>A on the plus strand (C>T on the coding strand, the complement: KCNH2 is on the minus strand). VCF-style: chr7-150947807-G-A. GRCh37 (hg19) VCF-style: chr7-150644895-G-A.
Other names: c.1744C>T, p.Arg582Trp (NM_172057.3); c.2764C>T (LRG_288t1); short protein forms R582W, R922W.
Identifiers: ClinVar variation 67435 (VCV000067435.10), dbSNP rs199473440, ClinGen allele CA007332.

ClinVar aggregate classification (germline): Uncertain significance. Review status: criteria provided, multiple submitters, no conflicts (2 of 4 stars). 4 submissions from 4 submitters: Uncertain significance (3). 1 of the submissions does not count toward it. Last evaluated 2024-07-20.

Conditions:
Cardiac arrhythmia. Also called: Arrhythmia; Cardiac rhythm disease. Identifiers: MedGen C0003811, MONDO:0007263, HP:0011675.
Familial long QT syndrome (RWS). Also called: Congenital long QT syndrome; Romano-Ward syndrome; VENTRICULAR FIBRILLATION WITH PROLONGED QT INTERVAL. Identifiers: Orphanet 768, MedGen C1141890, MONDO:0019171.
Long QT syndrome (LQTS). Identifiers: MedGen C0023976, MeSH D008133, MONDO:0002442. Disease mechanism: loss of function. Inheritance: Various modes of inheritance.

Allele frequency attached by ClinVar (database versions not stated): gnomAD 0.00001; TOPMed 0.00001; gnomAD exomes 0.00002.
gnomAD v4.1: 18 of 1,530,204 alleles (0.0012%); highest among the groups gnomAD compares: Admixed American, 0.004%; no homozygotes.

Submissions (4):

All of Us Research Program, National Institutes of Health
Classification: Uncertain significance for Long QT syndrome. Last evaluated: 2024-07-20. Review status: criteria provided, single submitter. Criteria: ACMG Guidelines, 2015. Collection method: clinical testing. Allele origin: germline. Inheritance: Autosomal dominant inheritance. Observed: 9 variant alleles, 9 heterozygotes.
Comment: This missense variant replaces arginine with tryptophan at codon 922 of the KCNH2 protein. Computational prediction suggests that this variant may have deleterious impact on protein structure and function (internally defined REVEL score threshold >= 0.7, PMID: 27666373). Electrophysiological functional studies suggest that the variant may not impact KCNH2 function (PMID: 16432067); the clinical relevance of this observation is unknown. This variant has been reported in individuals with suspected long QT syndrome (PMID: 10973849, 15051636, 19841299); one of these individuals also carried a pathogenic variant in the KCNQ1 gene that could explain the observed phenotype (PMID: 19841299). This variant has been identified in 3/126824 chromosomes in the general population by the Genome Aggregation Database (gnomAD). The available evidence is insufficient to determine the role of this variant in disease conclusively. Therefore, this variant is classified as a Variant of Uncertain Significance.

This study involves interpretation of variants in research participants for the purpose of population health screening. Participant phenotype was not available at the time of variant classification. Additional details can be found in publication PMID: 35346344, PMCID: PMC8962531

Color Diagnostics, LLC DBA Color Health
Classification: Uncertain significance for Cardiac arrhythmia. Last evaluated: 2024-03-19. Review status: criteria provided, single submitter. Criteria: ACMG Guidelines, 2015. Collection method: clinical testing. Allele origin: germline.
Comment: This missense variant replaces arginine with tryptophan at codon 922 of the KCNH2 protein. Computational prediction suggests that this variant may have deleterious impact on protein structure and function. A functional study has shown the mutant protein to exhibit normal channel function (PMID: 16432067). This variant has been reported in individuals with suspected long QT syndrome (PMID: 10973849, 15051636, 19841299). One of these individuals also carried a pathogenic variant in the KCNQ1 gene that could explain the observed phenotype (PMID: 19841299). This variant has been identified in 3/126824 chromosomes in the general population by the Genome Aggregation Database (gnomAD). The available evidence is insufficient to determine the role of this variant in disease conclusively. Therefore, this variant is classified as a Variant of Uncertain Significance.

Labcorp Genetics (formerly Invitae), Labcorp
Classification: Uncertain significance for Long QT syndrome. Last evaluated: 2023-09-15. Review status: criteria provided, single submitter. Criteria: Invitae Variant Classification Sherloc (09022015). Collection method: clinical testing. Allele origin: germline.
Comment: This sequence change replaces arginine, which is basic and polar, with tryptophan, which is neutral and slightly polar, at codon 922 of the KCNH2 protein (p.Arg922Trp). The frequency data for this variant in the population databases is considered unreliable, as metrics indicate poor data quality at this position in the gnomAD database. This missense change has been observed in individual(s) with prolonged QT interval (PMID: 10973849). ClinVar contains an entry for this variant (Variation ID: 67435). An algorithm developed to predict the effect of missense changes on protein structure and function (PolyPhen-2) suggests that this variant¬†is likely to be tolerated. Experimental studies have shown that this missense change does not substantially affect KCNH2 function (PMID: 16432067, 23303164). In summary, the available evidence is currently insufficient to determine the role of this variant in disease. Therefore, it has been classified as a Variant of Uncertain Significance.

Cardiovascular Biomedical Research Unit, Royal Brompton & Harefield NHS Foundation Trust
No classification provided. Condition: Familial long QT syndrome. Review status: no classification provided. Collection method: literature only. Allele origin: germline. Not counted in ClinVar's aggregate classification.
Comment: This variant has been reported as associated with Long QT syndrome in the following publications (PMID:10973849;PMID:15051636;PMID:16432067). This is a literature report, and does not necessarily reflect the clinical interpretation of the Imperial College / Royal Brompton Cardiovascular Genetics laboratory.

Literature cited by the submitters: PubMed 10973849 (cited by 4 submitters); PubMed 15051636 (cited by 3 submitters); PubMed 16432067 (cited by 4 submitters); PubMed 19841299 (cited by All of Us Research Program, National Institutes of Health and Color Diagnostics, LLC DBA Color Health); PubMed 23303164 (cited by Labcorp Genetics (formerly Invitae), Labcorp); PubMed 22581653 (cited by Cardiovascular Biomedical Research Unit, Royal Brompton & Harefield NHS Foundation Trust).